The following is an entry in ClinVar:

NM_000019.4(ACAT1):c.369_372del (p.Asn123fs)

Gene: ACAT1 (acetyl-CoA acetyltransferase 1; plus strand). Cytogenetic location: 11q22.3.
Variant type: Deletion.
Coding change: c.369_372del on transcript NM_000019.4 (MANE Select); coding-DNA positions 369 to 372, 4 bases deleted (CAAA; older notation c.369_372delCAAA).
Protein change: p.Asn123fs; shifts the reading frame from asparagine 123.
Molecular consequence: frameshift variant. On other transcripts: non-coding transcript variant (1), intron variant (1).
Genome position (GRCh38, 1-based): chr11:108,135,176-108,135,179, CAAA deleted; deleting any 4 consecutive bases within chr11:108,135,173-108,135,179 gives the same sequence; the c. name uses the placement nearest the transcript's 3' end. VCF-style (leftmost placement, unchanged base first): chr11-108135172-TAAAC-T. GRCh37 (hg19) VCF-style: chr11-108005899-TAAAC-T.
Other names: c.369_372del, p.Asn123fs (NM_001386677.1); c.72_75del, p.Asn24fs (NM_001386679.1); c.99_102del, p.Asn33fs (NM_001386681.1, NM_001386682.1, NM_001386685.1 and 6 more transcripts); c.120+3222_120+3225del (NM_001386678.1); c.369_372del (NM_000019.3); short protein forms N123fs, N24fs, N33fs.
Identifiers: ClinVar variation 1805706 (VCV001805706.4), dbSNP rs2496591869, ClinGen allele CA923726185.

ClinVar aggregate classification (germline): Pathogenic/Likely pathogenic. Review status: criteria provided, multiple submitters, no conflicts (2 of 4 stars). 4 submissions from 4 submitters: Pathogenic (2); Likely pathogenic (2). Last evaluated 2023-10-12.

Conditions:
Deficiency of acetyl-CoA acetyltransferase. Also called: Beta-ketothiolase deficiency; 3-KETOTHIOLASE DEFICIENCY; 3-OXOTHIOLASE DEFICIENCY; MITOCHONDRIAL ACETOACETYL-CoA THIOLASE DEFICIENCY. Identifiers: Orphanet 134, MedGen C1536500, MONDO:0008760, OMIM 203750. Disease mechanism: loss of function.
ACAT1-related disorder. Also called: ACAT1-related condition.

Submissions (4):

Baylor Genetics
Classification: Pathogenic for Deficiency of acetyl-CoA acetyltransferase. Last evaluated: 2023-10-12. Review status: criteria provided, single submitter. Criteria: ACMG Guidelines, 2015. Collection method: clinical testing. Allele origin: unknown.

Clinical Genetics Laboratory, Skane University Hospital Lund
Classification: Likely pathogenic. Last evaluated: 2022-07-13. Review status: criteria provided, single submitter. Criteria: ACMG Guidelines, 2015. Collection method: clinical testing. Allele origin: germline. Affected: yes.

Victorian Clinical Genetics Services, Murdoch Childrens Research Institute
Classification: Pathogenic for Deficiency of acetyl-CoA acetyltransferase. Last evaluated: 2020-05-21. Review status: criteria provided, single submitter. Criteria: ACMG Guidelines, 2015. Collection method: clinical testing. Allele origin: germline. Inheritance: Autosomal recessive inheritance.
Comment: Based on the classification scheme VCGS_Germline_v1.1.1, this variant is classified as pathogenic. Following criteria are met: 0102 - Loss-of-function is a known mechanism of disease for this gene. (N) 0106 - This gene is known to be associated with autosomal recessive disease. (N) 0201 - Variant is predicted to cause nonsense-mediated decay (NMD) and loss of protein (exon 5 of 12). (P) 0251 - Variant is heterozygous. (N) 0301 - Variant is absent from gnomAD. (P) 0701 - Comparable variants also predicted to result in NMD, have very strong previous evidence for pathogenicity in patients with mitochondrial acetoacetyl‐CoA thiolase (T2) deficiency (PMID: 31268215, Decipher, ClinVar). (P) 0803 - Low previous evidence of pathogenicity in a homozygous individual with beta-ketothiolase deficiency (PMID: 31268215). (P) 0905 - No segregation evidence has been identified for this variant. (N) 1007 - No published functional evidence has been identified for this variant. (N) 1208 - Inheritance information for this variant is not currently available. (N) Legend: (P) - Pathogenic, (N) - Neutral, (B) - Benign

Blueprint Genetics
Classification: Likely pathogenic for ACAT1-related disorders. Last evaluated: 2020-01-20. Review status: criteria provided, single submitter. Criteria: ACMG Guidelines, 2015. Collection method: clinical testing. Allele origin: germline. Affected: yes. Observed: 3 variant alleles.

Literature cited by the submitters: PubMed 29402417 (cited by Victorian Clinical Genetics Services, Murdoch Childrens Research Institute); PubMed 31268215 (cited by Victorian Clinical Genetics Services, Murdoch Childrens Research Institute).